The following is an entry in ClinVar:

NM_001005242.3(PKP2):c.2248T>G (p.Ser750Ala)

Gene: PKP2 (plakophilin 2; minus strand). Cytogenetic location: 12p11.21.
Variant type: single nucleotide variant.
Coding change: c.2248T>G on transcript NM_001005242.3 (MANE Select); coding-DNA position 2248, T replaced by G.
Protein change: p.Ser750Ala; replaces serine 750 with alanine.
Molecular consequence: missense variant.
Genome position (GRCh38, 1-based): chr12:32,796,218, A>C on the plus strand (T>G on the coding strand, the complement: PKP2 is on the minus strand). VCF-style: chr12-32796218-A-C. GRCh37 (hg19) VCF-style: chr12-32949152-A-C.
Other names: c.2380T>G, p.Ser794Ala (NM_004572.4); short protein forms S794A, S750A.
Identifiers: ClinVar variation 518740 (VCV000518740.12), dbSNP rs1431341096, ClinGen allele CA384357813.

ClinVar aggregate classification (germline): Uncertain significance. Review status: criteria provided, multiple submitters, no conflicts (2 of 4 stars). 3 submissions from 3 submitters: Uncertain significance (2). 1 of the submissions does not count toward it. Last evaluated 2023-12-05.

Conditions:
Cardiovascular phenotype. Identifiers: MedGen CN230736.
Cardiomyopathy (CMYO). Also called: Cardiomyopathies. Identifiers: Orphanet 167848, MedGen C0878544, MONDO:0004994, HP:0001638. Inheritance: Various modes of inheritance.

Allele frequency attached by ClinVar (database versions not stated): gnomAD exomes below 0.00001.
gnomAD v4.1: 2 of 1,613,502 alleles (0.00012%); highest among the groups gnomAD compares: East Asian, 0.0045%; no homozygotes.

Submissions (3):

Color Diagnostics, LLC DBA Color Health
Classification: Uncertain significance for Cardiomyopathy. Last evaluated: 2023-12-05. Review status: criteria provided, single submitter. Criteria: ACMG Guidelines, 2015. Collection method: clinical testing. Allele origin: germline.
Comment: This missense variant replaces serine with alanine at codon 794 of the PKP2 protein. Computational prediction tools and conservation analyses are inconclusive regarding the impact of this variant on the protein function. Computational splicing tools suggest that this variant may not impact RNA splicing. To our knowledge, functional assays have not been performed for this variant nor has this variant been reported in individuals affected with cardiovascular disorders in the literature. This variant has been identified in 1/251430 chromosomes in the general population by the Genome Aggregation Database (gnomAD). Available evidence is insufficient to determine the role of this variant in disease conclusively. Therefore, this variant is classified as a Variant of Uncertain Significance.

Ambry Genetics
Classification: Uncertain significance for Cardiovascular phenotype. Last evaluated: 2017-11-13. Review status: criteria provided, single submitter. Criteria: Ambry Variant Classification Scheme 2023. Collection method: clinical testing. Allele origin: germline.
Comment: The p.S794A variant (also known as c.2380T>G), located in coding exon 12 of the PKP2 gene, results from a T to G substitution at nucleotide position 2380. The serine at codon 794 is replaced by alanine, an amino acid with some similar properties. This amino acid position is highly conserved in available vertebrate species. In addition, this alteration is predicted to be tolerated by in silico analysis. Since supporting evidence is limited at this time, the clinical significance of this alteration remains unclear.

Department of Heart Center, Qingdao Women and Children's Hospital
Classification: Uncertain significance for Cardiomyopathy. Last evaluated: 2016-12-22. Review status: no assertion criteria provided. Collection method: provider interpretation. Allele origin: germline. Affected: yes. Not counted in ClinVar's aggregate classification.
Comment: Note: This variant was found in clinical genetic testing performed by one lab who may also submit to ClinVar. Therefore, any internal case data may overlap with the internal case data of other submitters. The interpretation and rationale are that of the Department of Heart Center, Qingdao Women and Children's Hospital.